The following is an entry in ClinVar:

ClinVar aggregate classification (germline): Uncertain significance (0 of 4 stars; one submission).

Conditions:
PCNT-related disorder. Also called: PCNT-related condition.

gnomAD v4.1: 1 of 1,613,934 alleles (0.000062%); highest among the groups gnomAD compares: South Asian, 0.0011%; no homozygotes.

Submission:

PreventionGenetics, part of Exact Sciences
Classification: Uncertain significance for PCNT-related condition. Last evaluated: 2024-05-10. Review status: no assertion criteria provided. Collection method: clinical testing. Allele origin: germline.
Comment: The PCNT c.8675G>A variant is predicted to result in the amino acid substitution p.Arg2892Lys. To our knowledge, this variant has not been reported in the literature or in a large population database, indicating this variant is rare. At this time, the clinical significance of this variant is uncertain due to the absence of conclusive functional and genetic evidence.

NM_006031.6(PCNT):c.8675G>A (p.Arg2892Lys)

Gene: PCNT (pericentrin; plus strand). Cytogenetic location: 21q22.3.
Variant type: single nucleotide variant.
Coding change: c.8675G>A on transcript NM_006031.6 (MANE Select); coding-DNA position 8675, G replaced by A.
Protein change: p.Arg2892Lys; replaces arginine 2892 with lysine.
Molecular consequence: missense variant. On other transcripts: intron variant (1).
Genome position (GRCh38, 1-based): chr21:46,432,139, G>A. VCF-style: chr21-46432139-G-A. GRCh37 (hg19) VCF-style: chr21-47852053-G-A.
Other names: c.8160+161G>A (NM_001315529.2); short protein forms R2892K.
Identifiers: ClinVar variation 3346021 (VCV003346021.1).